The following is an entry in ClinVar:

NM_000152.5(GAA):c.2672G>C (p.Arg891Pro)

Gene: GAA (alpha glucosidase; plus strand). Cytogenetic location: 17q25.3.
Variant type: single nucleotide variant.
Coding change: c.2672G>C on transcript NM_000152.5 (MANE Select); coding-DNA position 2672, G replaced by C.
Protein change: p.Arg891Pro; replaces arginine 891 with proline.
Molecular consequence: missense variant.
Genome position (GRCh38, 1-based): chr17:80,118,678, G>C. VCF-style: chr17-80118678-G-C. GRCh37 (hg19) VCF-style: chr17-78092477-G-C.
Other names: c.2672G>C (LRG_673t1); c.2672G>C, p.Arg891Pro (NM_001079803.3, NM_001079804.3); short protein forms R891P.
Identifiers: ClinVar variation 325794 (VCV000325794.10), dbSNP rs199524847, ClinGen allele CA10640874.
Genomic context (GRCh38, chr17:80,118,678, plus strand): 5'-TTCTCTGCCTTTTCATCTCTCTCTGCTCGGCCCAGAACACGATCGTGAATGAGCTGGTAC[G>C]TGTGACCAGTGAGGGAGCTGGCCTGCAGCTGCAGAAGGTGACTGTCCTGGGCGTGGCCAC-3'
Protein context (NP_000143.2, residues 881-901): RNNTIVNELV[Arg891Pro]VTSEGAGLQL

ClinVar aggregate classification (germline): Uncertain significance. Review status: criteria provided, multiple submitters, no conflicts (2 of 4 stars). 4 submissions from 4 submitters: Uncertain significance (4). Last evaluated 2024-09-23.

Conditions:
Glycogen storage disease, type II (IOPD). Also called: CARDIOMEGALIA GLYCOGENICA DIFFUSA; GLYCOGENOSIS, GENERALIZED, CARDIAC FORM; GSD II; Glycogen storage disease type 2; Acid maltase deficiency disease; Aglucosidase alfa. Identifiers: Orphanet 365, MedGen C0017921, MONDO:0009290, OMIM 232300.
Cardiovascular phenotype. Identifiers: MedGen CN230736.

Submissions (4):

Revvity Omics, Revvity
Classification: Uncertain significance. Last evaluated: 2024-09-23. Review status: criteria provided, single submitter. Criteria: ACMG Guidelines, 2015. Collection method: clinical testing. Allele origin: germline.

Labcorp Genetics (formerly Invitae), Labcorp
Classification: Uncertain significance for Glycogen storage disease, type II. Last evaluated: 2022-03-27. Review status: criteria provided, single submitter. Criteria: Invitae Variant Classification Sherloc (09022015). Collection method: clinical testing. Allele origin: germline.
Comment: This sequence change replaces arginine, which is basic and polar, with proline, which is neutral and non-polar, at codon 891 of the GAA protein (p.Arg891Pro). This variant is not present in population databases (gnomAD no frequency). This variant has not been reported in the literature in individuals affected with GAA-related conditions. ClinVar contains an entry for this variant (Variation ID: 325794). Advanced modeling of protein sequence and biophysical properties (such as structural, functional, and spatial information, amino acid conservation, physicochemical variation, residue mobility, and thermodynamic stability) performed at Invitae indicates that this missense variant is not expected to disrupt GAA protein function. In summary, the available evidence is currently insufficient to determine the role of this variant in disease. Therefore, it has been classified as a Variant of Uncertain Significance.

Ambry Genetics
Classification: Uncertain significance for Cardiovascular phenotype. Last evaluated: 2021-06-23. Review status: criteria provided, single submitter. Criteria: Ambry Variant Classification Scheme 2023. Collection method: clinical testing. Allele origin: germline.
Comment: The p.R891P variant (also known as c.2672G>C), located in coding exon 18 of the GAA gene, results from a G to C substitution at nucleotide position 2672. The arginine at codon 891 is replaced by proline, an amino acid with dissimilar properties. This amino acid position is conserved. In addition, this alteration is predicted to be tolerated by in silico analysis. Since supporting evidence is limited at this time, the clinical significance of this alteration remains unclear.

Illumina Laboratory Services, Illumina
Classification: Uncertain significance for Glycogen storage disease, type II. Last evaluated: 2018-01-12. Review status: criteria provided, single submitter. Criteria: ICSL Variant Classification Criteria 13 December 2019. Collection method: clinical testing. Allele origin: germline.